The following is an entry in ClinVar:

NM_004068.4(AP2M1):c.538A>T (p.Ser180Cys)

Gene: AP2M1 (adaptor related protein complex 2 subunit mu 1; plus strand). Cytogenetic location: 3q27.1.
Variant type: single nucleotide variant.
Coding change: c.538A>T on transcript NM_004068.4 (MANE Select); coding-DNA position 538, A replaced by T.
Protein change: p.Ser180Cys; replaces serine 180 with cysteine.
Molecular consequence: missense variant.
Genome position (GRCh38, 1-based): chr3:184,180,957, A>T. VCF-style: chr3-184180957-A-T. GRCh37 (hg19) VCF-style: chr3-183898745-A-T.
Other names: c.532A>T, p.Ser178Cys (NM_001025205.2); c.613A>T, p.Ser205Cys (NM_001311198.2); short protein forms S178C, S180C, S205C.
Identifiers: ClinVar variation 1708107 (VCV001708107.1), dbSNP rs2473723667, ClinGen allele CA355424529.

ClinVar aggregate classification (germline): Uncertain significance (1 of 4 stars; one submission).

Conditions:
Intellectual developmental disorder 60 with seizures. Also called: INTELLECTUAL DEVELOPMENTAL DISORDER, AUTOSOMAL DOMINANT 60, WITH SEIZURES; MENTAL RETARDATION, AUTOSOMAL DOMINANT 60, WITH SEIZURES. Identifiers: MedGen C5231497, MONDO:0032823, OMIM 618587.

Submission:

Laboratory of Medical Genetics, National & Kapodistrian University of Athens
Classification: Uncertain significance for Intellectual developmental disorder 60 with seizures. Last evaluated: 2022-03-31. Review status: criteria provided, single submitter. Criteria: ACMG Guidelines, 2015. Collection method: clinical testing. Allele origin: germline. Affected: yes.
Comment: PM2, PP3